The following is an entry in ClinVar:

NM_001271.4(CHD2):c.3237+258G>C

Gene: CHD2 (chromodomain helicase DNA binding protein 2; plus strand). Cytogenetic location: 15q26.1.
Variant type: single nucleotide variant.
Coding change: c.3237+258G>C on transcript NM_001271.4 (MANE Select); 258 bases into the intron after coding-DNA position 3237, G replaced by C.
Molecular consequence: intron variant.
Genome position (GRCh38, 1-based): chr15:92,984,758, G>C. VCF-style: chr15-92984758-G-C. GRCh37 (hg19) VCF-style: chr15-93527988-G-C.
Identifiers: ClinVar variation 668080 (VCV000668080.1), dbSNP rs11631553, ClinGen allele CA14125115.
Genomic context (GRCh38, chr15:92,984,758, plus strand): 5'-TTTGGTCTTTGCAAATTGGCTCTTTGTGAAGCTGATAAACAGGGTCTGAAATTTCCAGAA[G>C]TTTGCATTTTGCCTTTGAGTAGTCCTCACAGTTTGGCTGTTAATTGCCACTGCCTTCAAC-3'

ClinVar aggregate classification (germline): Benign (1 of 4 stars; one submission).

Allele frequency attached by ClinVar (database versions not stated): 1000 Genomes Project 30x 0.18051; 1000 Genomes Project 0.18331; gnomAD 0.21800 and 0.21981; TOPMed 0.22372.
gnomAD v4.1: 33,437 of 152,140 alleles (22%); highest among the groups gnomAD compares: Middle Eastern, 31%; 4,118 homozygotes.

Submission:

GeneDx
Classification: Benign. Last evaluated: 2018-06-18. Review status: criteria provided, single submitter. Criteria: GeneDx Variant Classification (06012015). Collection method: clinical testing. Allele origin: germline. Affected: yes.
Comment: This variant is considered likely benign or benign based on one or more of the following criteria: it is a conservative change, it occurs at a poorly conserved position in the protein, it is predicted to be benign by multiple in silico algorithms, and/or has population frequency not consistent with disease.